The following is an entry in ClinVar:

ClinVar aggregate classification (germline): Uncertain significance. Review status: criteria provided, multiple submitters, no conflicts (2 of 4 stars). 2 submissions from 2 submitters: Uncertain significance (2). Last evaluated 2025-04-10.

Conditions:
Autoimmune lymphoproliferative syndrome type 2A (ALPS2A). Also called: CASP10-Related Autoimmune Lymphoproliferative Syndrome; AUTOIMMUNE LYMPHOPROLIFERATIVE SYNDROME, TYPE IIA; Autoimmune lymphoproliferative syndrome type 2. Identifiers: Orphanet 3261, MedGen C1858968, MONDO:0011383, OMIM 603909.

Allele frequency attached by ClinVar (database versions not stated): TOPMed below 0.00001.

Submissions (2):

Ambry Genetics
Classification: Uncertain significance. Last evaluated: 2025-04-10. Review status: criteria provided, single submitter. Criteria: Ambry Variant Classification Scheme 2023. Collection method: clinical testing. Allele origin: germline.

Labcorp Genetics (formerly Invitae), Labcorp
Classification: Uncertain significance for Autoimmune lymphoproliferative syndrome, type 2A; Autoimmune lymphoproliferative syndrome type 2. Last evaluated: 2018-09-19. Review status: criteria provided, single submitter. Criteria: Invitae Variant Classification Sherloc (09022015). Collection method: clinical testing. Allele origin: germline.
Comment: This sequence change replaces alanine with serine at codon 67 of the CASP10 protein (p.Ala67Ser). The alanine residue is weakly conserved and there is a moderate physicochemical difference between alanine and serine. This variant is not present in population databases (ExAC no frequency). This variant has not been reported in the literature in individuals with CASP10-related disease. Algorithms developed to predict the effect of missense changes on protein structure and function (SIFT, PolyPhen-2, Align-GVGD) all suggest that this variant is likely to be tolerated, but these predictions have not been confirmed by published functional studies and their clinical significance is uncertain. In summary, the available evidence is currently insufficient to determine the role of this variant in disease. Therefore, it has been classified as a Variant of Uncertain Significance.

NM_032977.4(CASP10):c.199G>T (p.Ala67Ser)

Gene: CASP10 (caspase 10; plus strand). Cytogenetic location: 2q33.1.
Variant type: single nucleotide variant.
Coding change: c.199G>T on transcript NM_032977.4 (MANE Select); coding-DNA position 199, G replaced by T.
Protein change: p.Ala67Ser; replaces alanine 67 with serine.
Molecular consequence: missense variant.
Genome position (GRCh38, 1-based): chr2:201,185,976, G>T. VCF-style: chr2-201185976-G-T. GRCh37 (hg19) VCF-style: chr2-202050699-G-T.
Other names: c.199G>T, p.Ala67Ser (NM_001206524.2, NM_001206542.2, NM_001230.5 and 3 more transcripts); short protein forms A67S.
Identifiers: ClinVar variation 644332 (VCV000644332.4), dbSNP rs773537509, ClinGen allele CA350277795.